The following is an entry in ClinVar:

NM_002863.5(PYGL):c.494G>A (p.Gly165Glu)

Gene: PYGL (glycogen phosphorylase L; minus strand). Cytogenetic location: 14q22.1.
Variant type: single nucleotide variant.
Coding change: c.494G>A on transcript NM_002863.5 (MANE Select); coding-DNA position 494, G replaced by A.
Protein change: p.Gly165Glu; replaces glycine 165 with glutamic acid.
Molecular consequence: missense variant.
Genome position (GRCh38, 1-based): chr14:50,931,707, C>T on the plus strand (G>A on the coding strand, the complement: PYGL is on the minus strand). VCF-style: chr14-50931707-C-T. GRCh37 (hg19) VCF-style: chr14-51398425-C-T.
Other names: c.392G>A, p.Gly131Glu (NM_001163940.2); short protein forms G131E, G165E.
Identifiers: ClinVar variation 3363908 (VCV003363908.1).

ClinVar aggregate classification (germline): Uncertain significance (1 of 4 stars; one submission).

gnomAD v4.1: 2 of 1,613,898 alleles (0.00012%); highest among the groups gnomAD compares: Non-Finnish European, 0.00017%; no homozygotes.

Submission:

GeneDx
Classification: Uncertain significance. Last evaluated: 2023-11-06. Review status: criteria provided, single submitter. Criteria: GeneDx Variant Classification Process June 2021. Collection method: clinical testing. Allele origin: germline. Affected: yes.
Comment: Not observed at significant frequency in large population cohorts (gnomAD); In silico analysis supports that this missense variant has a deleterious effect on protein structure/function; Has not been previously published as pathogenic or benign to our knowledge